The following is an entry in ClinVar:

NM_018163.3(DNAJC17):c.157T>C (p.Phe53Leu)

Gene: DNAJC17 (DnaJ heat shock protein family (Hsp40) member C17; minus strand). Cytogenetic location: 15q15.1.
Variant type: single nucleotide variant.
Coding change: c.157T>C on transcript NM_018163.3 (MANE Select); coding-DNA position 157, T replaced by C.
Protein change: p.Phe53Leu; replaces phenylalanine 53 with leucine.
Molecular consequence: missense variant.
Genome position (GRCh38, 1-based): chr15:40,779,595, A>G on the plus strand (T>C on the coding strand, the complement: DNAJC17 is on the minus strand). VCF-style: chr15-40779595-A-G. GRCh37 (hg19) VCF-style: chr15-41071793-A-G.
Other names: short protein forms F53L.
Identifiers: ClinVar variation 3652530 (VCV003652530.2).

ClinVar aggregate classification (germline): Uncertain significance (1 of 4 stars; one submission).

gnomAD v4.1: 2 of 1,614,206 alleles (0.00012%); highest among the groups gnomAD compares: Non-Finnish European, 0.00017%; no homozygotes.

Submission:

Labcorp Genetics (formerly Invitae), Labcorp
Classification: Uncertain significance. Last evaluated: 2024-05-07. Review status: criteria provided, single submitter. Criteria: Invitae Variant Classification Sherloc (09022015). Collection method: clinical testing. Allele origin: germline.
Comment: This sequence change replaces phenylalanine, which is neutral and non-polar, with leucine, which is neutral and non-polar, at codon 53 of the DNAJC17 protein (p.Phe53Leu). This variant is not present in population databases (gnomAD no frequency). This variant has not been reported in the literature in individuals affected with DNAJC17-related conditions. An algorithm developed to predict the effect of missense changes on protein structure and function (PolyPhen-2) suggests that this variant is likely to be disruptive. In summary, the available evidence is currently insufficient to determine the role of this variant in disease. Therefore, it has been classified as a Variant of Uncertain Significance.